The following is an entry in ClinVar:

ClinVar aggregate classification (germline): Uncertain significance. Review status: criteria provided, multiple submitters, no conflicts (2 of 4 stars). 2 submissions from 2 submitters: Uncertain significance (2). Last evaluated 2025-12-08.

Conditions:
Inborn genetic diseases. Identifiers: MedGen C0950123, MeSH D030342.

Allele frequency attached by ClinVar (database versions not stated): gnomAD exomes below 0.00001; ExAC 0.00001.
gnomAD v4.1: 3 of 1,614,148 alleles (0.00019%); highest among the groups gnomAD compares: Admixed American, 0.0017%; no homozygotes.

Submissions (2):

Ambry Genetics
Classification: Uncertain significance for Inborn genetic diseases. Last evaluated: 2025-12-08. Review status: criteria provided, single submitter. Criteria: Ambry Variant Classification Scheme 2023. Collection method: clinical testing. Allele origin: germline.

Labcorp Genetics (formerly Invitae), Labcorp
Classification: Uncertain significance. Last evaluated: 2025-07-29. Review status: criteria provided, single submitter. Criteria: Invitae Variant Classification Sherloc (09022015). Collection method: clinical testing. Allele origin: germline.
Comment: This sequence change replaces serine, which is neutral and polar, with asparagine, which is neutral and polar, at codon 905 of the TCF20 protein (p.Ser905Asn). This variant is present in population databases (rs768787052, gnomAD 0.003%). This variant has not been reported in the literature in individuals affected with TCF20-related conditions. ClinVar contains an entry for this variant (Variation ID: 1962297). An algorithm developed to predict the effect of missense changes on protein structure and function (PolyPhen-2) suggests that this variant is likely to be tolerated. In summary, the available evidence is currently insufficient to determine the role of this variant in disease. Therefore, it has been classified as a Variant of Uncertain Significance.

NM_001378418.1(TCF20):c.2714G>A (p.Ser905Asn)

Gene: TCF20 (transcription factor 20; minus strand). Cytogenetic location: 22q13.2.
Variant type: single nucleotide variant.
Coding change: c.2714G>A on transcript NM_001378418.1 (MANE Select); coding-DNA position 2714, G replaced by A.
Protein change: p.Ser905Asn; replaces serine 905 with asparagine.
Molecular consequence: missense variant.
Genome position (GRCh38, 1-based): chr22:42,212,592, C>T on the plus strand (G>A on the coding strand, the complement: TCF20 is on the minus strand). VCF-style: chr22-42212592-C-T. GRCh37 (hg19) VCF-style: chr22-42608598-C-T.
Other names: c.2714G>A, p.Ser905Asn (NM_005650.4, NM_181492.3); c.2714G>A (NM_005650.1); short protein forms S905N.
Identifiers: ClinVar variation 1962297 (VCV001962297.6), dbSNP rs768787052, ClinGen allele CA10266974.